The following is an entry in ClinVar:

NM_001122681.2(SH3BP2):c.625G>A (p.Val209Met)

Gene: SH3BP2 (SH3 domain binding protein 2; plus strand). Cytogenetic location: 4p16.3.
Variant type: single nucleotide variant.
Coding change: c.625G>A on transcript NM_001122681.2 (MANE Select); coding-DNA position 625, G replaced by A.
Protein change: p.Val209Met; replaces valine 209 with methionine.
Molecular consequence: missense variant.
Genome position (GRCh38, 1-based): chr4:2,829,531, G>A. VCF-style: chr4-2829531-G-A. GRCh37 (hg19) VCF-style: chr4-2831258-G-A.
Other names: c.625G>A, p.Val209Met (LRG_1334t1, NM_003023.4); c.709G>A, p.Val237Met (LRG_1334t2, NM_001145855.2); c.796G>A, p.Val266Met (NM_001145856.2); short protein forms V266M, V209M, V237M.
Identifiers: ClinVar variation 664668 (VCV000664668.12), dbSNP rs1281385097, ClinGen allele CA356055588.

ClinVar aggregate classification (germline): Uncertain significance. Review status: criteria provided, multiple submitters, no conflicts (2 of 4 stars). 2 submissions from 2 submitters: Uncertain significance (2). Last evaluated 2023-05-11.

Conditions:
Fibrous dysplasia of jaw (CRBM). Also called: Cherubism. Identifiers: Orphanet 184, MedGen C0008029, MONDO:0007315, OMIM 118400.

Allele frequency attached by ClinVar (database versions not stated): gnomAD exomes below 0.00001; TOPMed below 0.00001; gnomAD 0.00001.
gnomAD v4.1: 7 of 1,613,402 alleles (0.00043%); highest among the groups gnomAD compares: African/African-American, 0.0013%; no homozygotes.

Submissions (2):

Labcorp Genetics (formerly Invitae), Labcorp
Classification: Uncertain significance for Fibrous dysplasia of jaw. Last evaluated: 2023-05-11. Review status: criteria provided, single submitter. Criteria: Invitae Variant Classification Sherloc (09022015). Collection method: clinical testing. Allele origin: germline.
Comment: This variant has not been reported in the literature in individuals affected with SH3BP2-related conditions. ClinVar contains an entry for this variant (Variation ID: 664668). Advanced modeling of protein sequence and biophysical properties (such as structural, functional, and spatial information, amino acid conservation, physicochemical variation, residue mobility, and thermodynamic stability) performed at Invitae indicates that this missense variant is not expected to disrupt SH3BP2 protein function. In summary, the available evidence is currently insufficient to determine the role of this variant in disease. Therefore, it has been classified as a Variant of Uncertain Significance. This variant is present in population databases (no rsID available, gnomAD 0.01%). This sequence change replaces valine, which is neutral and non-polar, with methionine, which is neutral and non-polar, at codon 209 of the SH3BP2 protein (p.Val209Met).

GeneDx
Classification: Uncertain significance. Last evaluated: 2022-01-12. Review status: criteria provided, single submitter. Criteria: GeneDx Variant Classification Process June 2021. Collection method: clinical testing. Allele origin: germline. Affected: yes.
Comment: Not observed at significant frequency in large population cohorts (gnomAD); In silico analysis supports that this missense variant does not alter protein structure/function; Has not been previously published as pathogenic or benign to our knowledge